The following is an entry in ClinVar:

ClinVar aggregate classification (germline): Pathogenic (1 of 4 stars; one submission).

Conditions:
Early-infantile DEE. Also called: Early infantile epileptic encephalopathy; Ohtahara syndrome; Early infantile epileptic encephalopathy with suppression bursts. Identifiers: Orphanet 1934, MedGen C0393706, MONDO:0800491.

Submission:

Labcorp Genetics (formerly Invitae), Labcorp
Classification: Pathogenic for Early-infantile DEE. Last evaluated: 2025-03-09. Review status: criteria provided, single submitter. Criteria: Invitae Variant Classification Sherloc (09022015). Collection method: clinical testing. Allele origin: germline.
Comment: This sequence change creates a premature translational stop signal (p.Leu1670*) in the SCN1A gene. While this is not anticipated to result in nonsense mediated decay, it is expected to disrupt the last 340 amino acid(s) of the SCN1A protein. This variant is not present in population databases (gnomAD no frequency). This variant has not been reported in the literature in individuals affected with SCN1A-related conditions. This variant disrupts a region of the SCN1A protein in which other variant(s) (p.Gln1923His) have been determined to be pathogenic (internal data). This suggests that this is a clinically significant region of the protein, and that variants that disrupt it are likely to be disease-causing. For these reasons, this variant has been classified as Pathogenic.

NM_001165963.4(SCN1A):c.5009_5036del (p.Ala1669_Leu1670insTer)

Genes: SCN1A (sodium voltage-gated channel alpha subunit 1; minus strand), LOC102724058 (uncharacterized LOC102724058; plus strand). Cytogenetic location: 2q24.3.
Variant type: Deletion.
Coding change: c.5009_5036del on transcript NM_001165963.4 (MANE Select); coding-DNA positions 5009 to 5036, 28 bases deleted (TGTTTAACATCGGCCTCCTACTCTTCCT).
Protein change: p.Ala1669_Leu1670insTer.
Molecular consequence: nonsense. On other transcripts: non-coding transcript variant (1).
Genome position (GRCh38, 1-based): chr2:165,992,239-165,992,266, AGGAAGAGTAGGAGGCCGATGTTAAACA deleted on the plus strand (TGTTTAACATCGGCCTCCTACTCTTCCT on the coding strand, the reverse complement: SCN1A is on the minus strand); deleting any 28 consecutive bases within chr2:165,992,239-165,992,267 gives the same sequence; the c. name uses the placement nearest the transcript's 3' end. VCF-style (leftmost placement, unchanged base first): chr2-165992238-TAGGAAGAGTAGGAGGCCGATGTTAAACA-T. GRCh37 (hg19) VCF-style: chr2-166848748-TAGGAAGAGTAGGAGGCCGATGTTAAACA-T.
Other names: c.4925_4952del, p.Ala1641_Leu1642insTer (NM_001165964.3, NM_001353957.2, NM_001353958.2); c.5009_5036del, p.Ala1669_Leu1670insTer (NM_001202435.3, NM_001353948.2); c.4976_5003del, p.Ala1658_Leu1659insTer (NM_001353949.2, NM_001353950.2, NM_001353951.2 and 2 more transcripts); c.4973_5000del, p.Ala1657_Leu1658insTer (NM_001353954.2, NM_001353955.2); c.4922_4949del, p.Ala1640_Leu1641insTer (NM_001353960.2); c.2567_2594del, p.Ala855_Leu856insTer (NM_001353961.2).
Identifiers: ClinVar variation 4714684 (VCV004714684.1).
Genomic context (GRCh38, chr2:165,992,238, plus strand): 5'-AACTTCCCTCTTAACATAGGCAAAGTTGGACATCCCAAAGATGGCGTAGATGAACATGAC[TAGGAAGAGTAGGAGGCCGATGTTAAACA>T]ACGCAGGAAGGGACATCATCAAAGCAAAGAGCAGCGTGCGGATCCCCTTTGCTCCTTTGA-3'